The following is an entry in ClinVar:

NM_016373.4(WWOX):c.995A>C (p.His332Pro)

Gene: WWOX (WW domain containing oxidoreductase; plus strand). Cytogenetic location: 16q23.1.
Variant type: single nucleotide variant.
Coding change: c.995A>C on transcript NM_016373.4 (MANE Select); coding-DNA position 995, A replaced by C.
Protein change: p.His332Pro; replaces histidine 332 with proline.
Molecular consequence: missense variant.
Genome position (GRCh38, 1-based): chr16:78,432,691, A>C. VCF-style: chr16-78432691-A-C. GRCh37 (hg19) VCF-style: chr16-78466588-A-C.
Other names: c.656A>C, p.His219Pro (NM_001291997.2); short protein forms H332P, H219P.
Identifiers: ClinVar variation 410095 (VCV000410095.11), dbSNP rs775584864, ClinGen allele CA8183594.

ClinVar aggregate classification (germline): Uncertain significance. Review status: criteria provided, multiple submitters, no conflicts (2 of 4 stars). 2 submissions from 2 submitters: Uncertain significance (2). Last evaluated 2024-10-21.

Conditions:
Developmental and epileptic encephalopathy, 28 (DEE28). Also called: Epileptic encephalopathy, early infantile, 28. Identifiers: Orphanet 442835, MedGen C4015519, MONDO:0014533, OMIM 616211.
Autosomal recessive spinocerebellar ataxia 12. Also called: SPINOCEREBELLAR ATAXIA WITH MENTAL RETARDATION AND EPILEPSY. Identifiers: Orphanet 284282, MedGen C3280452, MONDO:0013687, OMIM 614322.
Developmental and epileptic encephalopathy, 1 (DEE1). Also called: X-linked infantile spasms; West's syndrome; Tonic spasms with clustering, arrest of psychomotor development and hypsarrhythmia on EEG; X-Linked Infantile Spasm Syndrome; OHTAHARA SYNDROME, X-LINKED; INFANTILE SPASM SYNDROME, X-LINKED 1. Identifiers: MedGen C3463992, MONDO:0010632, OMIM 308350. Disease mechanism: loss of function.

Allele frequency attached by ClinVar (database versions not stated): gnomAD exomes 0.00005; TOPMed below 0.00001; gnomAD 0.00001; ExAC 0.00004.
gnomAD v4.1: 14 of 1,614,072 alleles (0.00087%); highest among the groups gnomAD compares: Admixed American, 0.022%; no homozygotes.

Submissions (2):

Labcorp Genetics (formerly Invitae), Labcorp
Classification: Uncertain significance for Developmental and epileptic encephalopathy, 1; Autosomal recessive spinocerebellar ataxia 12. Last evaluated: 2024-10-21. Review status: criteria provided, single submitter. Criteria: Invitae Variant Classification Sherloc (09022015). Collection method: clinical testing. Allele origin: germline.
Comment: This sequence change replaces histidine, which is basic and polar, with proline, which is neutral and non-polar, at codon 332 of the WWOX protein (p.His332Pro). This variant is present in population databases (rs775584864, gnomAD 0.04%). This variant has not been reported in the literature in individuals affected with WWOX-related conditions. ClinVar contains an entry for this variant (Variation ID: 410095). Invitae Evidence Modeling of protein sequence and biophysical properties (such as structural, functional, and spatial information, amino acid conservation, physicochemical variation, residue mobility, and thermodynamic stability) indicates that this missense variant is not expected to disrupt WWOX protein function with a negative predictive value of 80%. In summary, the available evidence is currently insufficient to determine the role of this variant in disease. Therefore, it has been classified as a Variant of Uncertain Significance.

Baylor Genetics
Classification: Uncertain significance for Developmental and epileptic encephalopathy, 28. Last evaluated: 2018-04-27. Review status: criteria provided, single submitter. Criteria: ACMG Guidelines, 2015. Collection method: clinical testing. Allele origin: paternal. Affected: yes.
Comment: This variant was determined to be of uncertain significance according to ACMG Guidelines, 2015 [PMID:25741868].